The following is an entry in ClinVar:

ClinVar aggregate classification (germline): Likely benign (1 of 4 stars; one submission).

gnomAD v4.1: 600 of 1,614,174 alleles (0.037%); highest among the groups gnomAD compares: African/African-American, 0.58%; no homozygotes.

Submission:

CeGaT Center for Human Genetics Tuebingen
Classification: Likely benign. Last evaluated: 2026-09-01. Review status: criteria provided, single submitter. Criteria: CeGaT Center For Human Genetics Tuebingen Variant Classification Criteria Version 2. Collection method: clinical testing. Allele origin: germline. Affected: yes. Observed: 3 variant alleles.
Comment: PRORP: BP4, BP7

NM_014672.4(PRORP):c.471G>A (p.Val157=)

Genes: PRORP-PSMA6 (PRORP-PSMA6 readthrough; plus strand), PRORP (protein only RNase P catalytic subunit; plus strand). Cytogenetic location: 14q13.2.
Variant type: single nucleotide variant.
Coding change: c.471G>A on transcript NM_014672.4 (MANE Select); coding-DNA position 471, G replaced by A.
Protein change: p.Val157=; no amino-acid change (valine 157 retained).
Molecular consequence: synonymous variant. On other transcripts: non-coding transcript variant (4), intron variant (2).
Genome position (GRCh38, 1-based): chr14:35,123,716, G>A. VCF-style: chr14-35123716-G-A. GRCh37 (hg19) VCF-style: chr14-35592922-G-A.
Other names: c.471G>A, p.Val157= (NM_001256678.2, NM_001414503.1); c.186G>A, p.Val62= (NM_001256679.2); c.-131+806G>A (NM_001256680.2); c.-83+806G>A (NM_001256681.2).
Identifiers: ClinVar variation 3905087 (VCV003905087.10).